The following is an entry in ClinVar:

ClinVar aggregate classification (germline): Uncertain significance (1 of 4 stars; one submission).

Conditions:
Hereditary cancer-predisposing syndrome. Also called: Neoplastic Syndromes, Hereditary; Tumor predisposition; Hereditary Cancer Syndrome; Hereditary neoplastic syndrome. Identifiers: Orphanet 140162, MedGen C0027672, MeSH D009386, MONDO:0015356.

Submission:

Ambry Genetics
Classification: Uncertain significance for Hereditary cancer-predisposing syndrome. Last evaluated: 2025-10-22. Review status: criteria provided, single submitter. Criteria: Ambry Variant Classification Scheme 2023. Collection method: clinical testing. Allele origin: germline.
Comment: The p.E654K variant (also known as c.1960G>A), located in coding exon 7 of the BLM gene, results from a G to A substitution at nucleotide position 1960. The glutamic acid at codon 654 is replaced by lysine, an amino acid with similar properties. This amino acid position is conserved. In addition, the in silico prediction for this alteration is inconclusive. Based on the available evidence, the clinical significance of this variant remains unclear.

NM_000057.4(BLM):c.1960G>A (p.Glu654Lys)

Gene: BLM (BLM RecQ like helicase; plus strand). Cytogenetic location: 15q26.1.
Variant type: single nucleotide variant.
Coding change: c.1960G>A on transcript NM_000057.4 (MANE Select); coding-DNA position 1960, G replaced by A.
Protein change: p.Glu654Lys; replaces glutamic acid 654 with lysine.
Molecular consequence: missense variant.
Genome position (GRCh38, 1-based): chr15:90,763,043, G>A. VCF-style: chr15-90763043-G-A. GRCh37 (hg19) VCF-style: chr15-91306273-G-A.
Other names: c.1960G>A, p.Glu654Lys (NM_001287246.2, NM_001287247.2); c.835G>A, p.Glu279Lys (NM_001287248.2); short protein forms E279K, E654K.
Identifiers: ClinVar variation 4622722 (VCV004622722.1).